The following is an entry in ClinVar:

ClinVar aggregate classification (germline): Likely benign (0 of 4 stars; one submission).

Conditions:
LEPR-related disorder. Also called: LEPR-related condition; LEPR-related disorders.

Submission:

PreventionGenetics, part of Exact Sciences
Classification: Likely benign for LEPR-related condition. Last evaluated: 2021-03-19. Review status: no assertion criteria provided. Collection method: clinical testing. Allele origin: germline.
Comment: This variant is classified as likely benign based on ACMG/AMP sequence variant interpretation guidelines (Richards et al. 2015 PMID: 25741868, with internal and published modifications).

NM_002303.6(LEPR):c.703+10G>A

Gene: LEPR (leptin receptor; plus strand). Cytogenetic location: 1p31.3.
Variant type: single nucleotide variant.
Coding change: c.703+10G>A on transcript NM_002303.6 (MANE Select); 10 bases into the intron after coding-DNA position 703, G replaced by A.
Molecular consequence: intron variant.
Genome position (GRCh38, 1-based): chr1:65,592,875, G>A. VCF-style: chr1-65592875-G-A. GRCh37 (hg19) VCF-style: chr1-66058558-G-A.
Other names: c.703+10G>A (NM_001003679.3, NM_001003680.3, NM_001198689.2 and 2 more transcripts).
Identifiers: ClinVar variation 3351391 (VCV003351391.1).